The following is an entry in ClinVar:

NM_032271.3(TRAF7):c.1798G>A (p.Gly600Ser)

Gene: TRAF7 (TNF receptor associated factor 7; plus strand). Cytogenetic location: 16p13.3.
Variant type: single nucleotide variant.
Coding change: c.1798G>A on transcript NM_032271.3 (MANE Select); coding-DNA position 1798, G replaced by A.
Protein change: p.Gly600Ser; replaces glycine 600 with serine.
Molecular consequence: missense variant.
Genome position (GRCh38, 1-based): chr16:2,176,100, G>A. VCF-style: chr16-2176100-G-A. GRCh37 (hg19) VCF-style: chr16-2226101-G-A.
Other names: short protein forms G600S.
Identifiers: ClinVar variation 1679307 (VCV001679307.4), dbSNP rs2141298527, ClinGen allele CA394335424.

ClinVar aggregate classification (germline): Conflicting classifications of pathogenicity. Review status: criteria provided, conflicting classifications (1 of 4 stars). 2 submissions from 2 submitters: Likely pathogenic (1); Uncertain significance (1). Last evaluated 2022-12-02.

Conditions:
Cardiac, facial, and digital anomalies with developmental delay. Identifiers: Orphanet 592570, MedGen C4748484, MONDO:0032572, OMIM 618164.

Submissions (2):

Laboratorio de Genetica e Diagnostico Molecular, Hospital Israelita Albert Einstein
Classification: Uncertain significance for Cardiac, facial, and digital anomalies with developmental delay. Last evaluated: 2022-12-02. Review status: criteria provided, single submitter. Criteria: ACMG Guidelines, 2015. Collection method: clinical testing. Allele origin: germline. Affected: yes. Observed: 1 variant allele.
Comment: ACMG classification criteria: PM2 moderated, PM6 moderated, PP2 supporting

Department of Clinical Genetics, Copenhagen University Hospital, Rigshospitalet
Classification: Likely pathogenic for Cardiac, facial, and digital anomalies with developmental delay. Last evaluated: 2021-08-01. Review status: criteria provided, single submitter. Criteria: ACMG Guidelines, 2015. Collection method: clinical testing. Allele origin: de novo. Affected: yes.